The following is an entry in ClinVar:

ClinVar aggregate classification (germline): Uncertain significance. Review status: criteria provided, multiple submitters, no conflicts (2 of 4 stars). 3 submissions from 3 submitters: Uncertain significance (3). Last evaluated 2026-01-04.

Conditions:
Gorlin syndrome. Also called: Basal cell nevus syndrome; Nevoid Basal Cell Carcinoma Syndrome. Identifiers: Orphanet 377, MedGen C0004779, MONDO:0007187.
Hereditary cancer-predisposing syndrome. Also called: Tumor predisposition; Neoplastic Syndromes, Hereditary; Hereditary Cancer Syndrome; Hereditary neoplastic syndrome. Identifiers: Orphanet 140162, MedGen C0027672, MeSH D009386, MONDO:0015356.

Allele frequency attached by ClinVar (database versions not stated): gnomAD exomes below 0.00001.
gnomAD v4.1: 1 of 1,614,116 alleles (0.000062%); highest among the groups gnomAD compares: Non-Finnish European, 0.000085%; no homozygotes.

Submissions (3):

Labcorp Genetics (formerly Invitae), Labcorp
Classification: Uncertain significance for Gorlin syndrome. Last evaluated: 2026-01-04. Review status: criteria provided, single submitter. Criteria: Invitae Variant Classification Sherloc (09022015). Collection method: clinical testing. Allele origin: germline.
Comment: This sequence change replaces valine, which is neutral and non-polar, with leucine, which is neutral and non-polar, at codon 419 of the PTCH1 protein (p.Val419Leu). This variant is not present in population databases (gnomAD no frequency). This variant has not been reported in the literature in individuals affected with PTCH1-related conditions. ClinVar contains an entry for this variant (Variation ID: 1523583). Invitae Evidence Modeling of protein sequence and biophysical properties (such as structural, functional, and spatial information, amino acid conservation, physicochemical variation, residue mobility, and thermodynamic stability) indicates that this missense variant is not expected to disrupt PTCH1 protein function with a negative predictive value of 95%. In summary, the available evidence is currently insufficient to determine the role of this variant in disease. Therefore, it has been classified as a Variant of Uncertain Significance.

Ambry Genetics
Classification: Uncertain significance for Hereditary cancer-predisposing syndrome. Last evaluated: 2024-09-26. Review status: criteria provided, single submitter. Criteria: Ambry Variant Classification Scheme 2023. Collection method: clinical testing. Allele origin: germline.
Comment: The p.V419L variant (also known as c.1255G>T), located in coding exon 9 of the PTCH1 gene, results from a G to T substitution at nucleotide position 1255. The valine at codon 419 is replaced by leucine, an amino acid with highly similar properties. This amino acid position is conserved. In addition, the in silico prediction for this alteration is inconclusive. Based on the available evidence, the clinical significance of this variant remains unclear.

CeGaT Center for Human Genetics Tuebingen
Classification: Uncertain significance. Last evaluated: 2024-05-01. Review status: criteria provided, single submitter. Criteria: CeGaT Center For Human Genetics Tuebingen Variant Classification Criteria Version 2. Collection method: clinical testing. Allele origin: germline. Affected: yes. Observed: 1 variant allele.
Comment: PTCH1: PM2, PS4:Supporting

NM_000264.5(PTCH1):c.1255G>T (p.Val419Leu)

Gene: PTCH1 (patched 1; minus strand). Cytogenetic location: 9q22.32.
Variant type: single nucleotide variant.
Coding change: c.1255G>T on transcript NM_000264.5 (MANE Select); coding-DNA position 1255, G replaced by T.
Protein change: p.Val419Leu; replaces valine 419 with leucine.
Molecular consequence: missense variant. On other transcripts: non-coding transcript variant (1).
Genome position (GRCh38, 1-based): chr9:95,478,147, C>A on the plus strand (G>T on the coding strand, the complement: PTCH1 is on the minus strand). VCF-style: chr9-95478147-C-A. GRCh37 (hg19) VCF-style: chr9-98240429-C-A.
Other names: c.1255G>T (NM_000264.3); c.1057G>T, p.Val353Leu (NM_001083602.3); c.1252G>T, p.Val418Leu (NM_001083603.3); c.802G>T, p.Val268Leu (NM_001083604.3, NM_001083605.3, NM_001083606.3 and 1 more transcripts); c.1255G>T, p.Val419Leu (NM_001354918.2); short protein forms V268L, V418L, V353L, V419L.
Identifiers: ClinVar variation 1523583 (VCV001523583.27), dbSNP rs202136156, ClinGen allele CA374118889.